The following is an entry in ClinVar:

NM_139318.5(KCNH5):c.2481C>A (p.Asp827Glu)

Gene: KCNH5 (potassium voltage-gated channel subfamily H member 5; minus strand). Cytogenetic location: 14q23.2.
Variant type: single nucleotide variant.
Coding change: c.2481C>A on transcript NM_139318.5 (MANE Select); coding-DNA position 2481, C replaced by A.
Protein change: p.Asp827Glu; replaces aspartic acid 827 with glutamic acid.
Molecular consequence: missense variant. On other transcripts: 3 prime UTR variant (1).
Genome position (GRCh38, 1-based): chr14:62,707,994, G>T on the plus strand (C>A on the coding strand, the complement: KCNH5 is on the minus strand). VCF-style: chr14-62707994-G-T. GRCh37 (hg19) VCF-style: chr14-63174712-G-T.
Other names: c.*448C>A (NM_172375.3); short protein forms D827E.
Identifiers: ClinVar variation 2755428 (VCV002755428.3), dbSNP rs750798881, ClinGen allele CA390100515.
Genomic context (GRCh38, chr14:62,707,994, plus strand): 5'-ACTGCTCTTGGGGTCCTCAGACAATAGCCCCATTGACTCAGCTTTAGTGACATTATTCCA[G>T]TCTTCCTTTTTCTCCTCATGGGCTCCCATATTATTCTTGAGTCGCAGCCACCCTTTTCCA-3'
Protein context (NP_647479.2, residues 817-837): NMGAHEEKKE[Asp827Glu]WNNVTKAESM

ClinVar aggregate classification (germline): Uncertain significance (1 of 4 stars; one submission).

Conditions:
Early-infantile DEE. Also called: Ohtahara syndrome; Early infantile epileptic encephalopathy; Early infantile epileptic encephalopathy with suppression bursts. Identifiers: Orphanet 1934, MedGen C0393706, MONDO:0800491.

gnomAD v4.1: 1 of 1,614,164 alleles (0.000062%); highest among the groups gnomAD compares: South Asian, 0.0011%; no homozygotes.

Submission:

Labcorp Genetics (formerly Invitae), Labcorp
Classification: Uncertain significance for Early-infantile DEE. Last evaluated: 2023-08-27. Review status: criteria provided, single submitter. Criteria: Invitae Variant Classification Sherloc (09022015). Collection method: clinical testing. Allele origin: germline.
Comment: This variant has not been reported in the literature in individuals affected with KCNH5-related conditions. Advanced modeling of protein sequence and biophysical properties (such as structural, functional, and spatial information, amino acid conservation, physicochemical variation, residue mobility, and thermodynamic stability) performed at Invitae indicates that this missense variant is not expected to disrupt KCNH5 protein function. In summary, the available evidence is currently insufficient to determine the role of this variant in disease. Therefore, it has been classified as a Variant of Uncertain Significance. This sequence change replaces aspartic acid, which is acidic and polar, with glutamic acid, which is acidic and polar, at codon 827 of the KCNH5 protein (p.Asp827Glu). This variant is not present in population databases (gnomAD no frequency).